The following is an entry in ClinVar:

ClinVar aggregate classification (germline): Likely pathogenic. Review status: criteria provided, single submitter (1 of 4 stars). 2 submissions from 2 submitters: Likely pathogenic (1). 1 of the submissions does not count toward it. Last evaluated 2017-06-28.

Conditions:
Hao-Fountain syndrome (HAFOUS). Identifiers: Orphanet 643549, MedGen C5393908, MONDO:0014805.
USP7-related disorder. Also called: USP7-related condition.

Submissions (2):

Undiagnosed Diseases Network, NIH
Classification: Likely pathogenic for USP7-related condition. Last evaluated: 2017-06-28. Review status: criteria provided, single submitter. Criteria: ACMG Guidelines, 2015. Collection method: clinical testing. Allele origin: de novo. Inheritance: Autosomal dominant inheritance. Affected: yes. Observed: 1 variant allele, 1 heterozygote. Study: Undiagnosed Diseases Network (NIH), UDN.

OMIM
Classification: Pathogenic for HAO-FOUNTAIN SYNDROME. Last evaluated: 2020-06-15. Review status: no assertion criteria provided. Collection method: literature only. Allele origin: germline. Not counted in ClinVar's aggregate classification.

Literature cited by the submitters: PubMed 30679821 (cited by OMIM).

NM_003470.3(USP7):c.2169_2170del (p.Arg723fs)

Gene: USP7 (ubiquitin specific peptidase 7; minus strand). Cytogenetic location: 16p13.2.
Variant type: Microsatellite.
Coding change: c.2169_2170del on transcript NM_003470.3 (MANE Select); coding-DNA positions 2169 to 2170, 2 bases deleted (AG; older notation c.2169_2170delAG).
Protein change: p.Arg723fs; shifts the reading frame from arginine 723.
Molecular consequence: frameshift variant. On other transcripts: non-coding transcript variant (1).
Genome position (GRCh38, 1-based): chr16:8,901,028-8,901,029, CT deleted on the plus strand (AG on the coding strand, the reverse complement: USP7 is on the minus strand); deleting any 2 consecutive bases within chr16:8,901,028-8,901,031 gives the same sequence; the c. name uses the placement nearest the transcript's 3' end. VCF-style (leftmost placement, unchanged base first): chr16-8901027-GCT-G. GRCh37 (hg19) VCF-style: chr16-8994884-GCT-G.
Other names: c.2121_2122del, p.Arg707fs (NM_001286457.2); c.1872_1873del, p.Arg624fs (NM_001286458.2); c.1995_1996del, p.Arg665fs (NM_001321858.2); short protein forms R665fs, R624fs, R707fs, R723fs.
Identifiers: ClinVar variation 522827 (VCV000522827.5), dbSNP rs1555462347, ClinGen allele CA658798541.
Genomic context (GRCh38, chr16:8,901,027, plus strand): 5'-ATGGAAAAATAAACCATCCAAACCTCATAGAGGATAAGGCTAGTATCTTGAATAAATCCT[GCT>G]CTGTCACACATAACTGGGAGCAAGTCACCTAGGAGAAAGAAGATATTTTAAATGTGTAGC-3'